The following is an entry in ClinVar:

ClinVar aggregate classification (germline): Uncertain significance (1 of 4 stars; one submission).

Submission:

GeneDx
Classification: Uncertain significance. Last evaluated: 2026-02-23. Review status: criteria provided, single submitter. Criteria: GeneDx Variant Classification Process June 2021. Collection method: clinical testing. Allele origin: germline.
Comment: Not observed at significant frequency in large population cohorts (gnomAD); In silico analysis supports a deleterious effect on splicing; Has not been previously published as pathogenic or benign to our knowledge

NM_000315.4(PTH):c.86+5G>A

Gene: PTH (parathyroid hormone; minus strand). Cytogenetic location: 11p15.3.
Variant type: single nucleotide variant.
Coding change: c.86+5G>A on transcript NM_000315.4 (MANE Select); 5 bases into the intron after coding-DNA position 86, G replaced by A.
Molecular consequence: intron variant.
Genome position (GRCh38, 1-based): chr11:13,492,765, C>T on the plus strand (G>A on the coding strand, the complement: PTH is on the minus strand). VCF-style: chr11-13492765-C-T. GRCh37 (hg19) VCF-style: chr11-13514312-C-T.
Other names: c.182+5G>A (NM_001316352.2).
Identifiers: ClinVar variation 5009936 (VCV005009936.1).